The following is an entry in ClinVar:

ClinVar aggregate classification (germline): Uncertain significance (1 of 4 stars; one submission).

gnomAD v4.1: 2 of 1,614,010 alleles (0.00012%); highest among the groups gnomAD compares: East Asian, 0.0022%; no homozygotes.

Submission:

Labcorp Genetics (formerly Invitae), Labcorp
Classification: Uncertain significance. Last evaluated: 2025-02-07. Review status: criteria provided, single submitter. Criteria: Invitae Variant Classification Sherloc (09022015). Collection method: clinical testing. Allele origin: germline.
Comment: This sequence change replaces leucine, which is neutral and non-polar, with proline, which is neutral and non-polar, at codon 632 of the MYH9 protein (p.Leu632Pro). This variant is not present in population databases (gnomAD no frequency). This variant has not been reported in the literature in individuals affected with MYH9-related conditions. Invitae Evidence Modeling of protein sequence and biophysical properties (such as structural, functional, and spatial information, amino acid conservation, physicochemical variation, residue mobility, and thermodynamic stability) indicates that this missense variant is not expected to disrupt MYH9 protein function with a negative predictive value of 95%. In summary, the available evidence is currently insufficient to determine the role of this variant in disease. Therefore, it has been classified as a Variant of Uncertain Significance.

NM_002473.6(MYH9):c.1895T>C (p.Leu632Pro)

Gene: MYH9 (myosin heavy chain 9; minus strand). Cytogenetic location: 22q12.3.
Variant type: single nucleotide variant.
Coding change: c.1895T>C on transcript NM_002473.6 (MANE Select); coding-DNA position 1895, T replaced by C.
Protein change: p.Leu632Pro; replaces leucine 632 with proline.
Molecular consequence: missense variant.
Genome position (GRCh38, 1-based): chr22:36,306,556, A>G on the plus strand (T>C on the coding strand, the complement: MYH9 is on the minus strand). VCF-style: chr22-36306556-A-G. GRCh37 (hg19) VCF-style: chr22-36702602-A-G.
Other names: short protein forms L632P.
Identifiers: ClinVar variation 4746179 (VCV004746179.1).
Genomic context (GRCh38, chr22:36,306,556, plus strand): 5'-TCCTTGTAAAGCTGCCCCACAGTGCGGAACATGCCCTTCCGCGTCTTGAAGGCCCCGGGC[A>G]GTGCGGTCTCCGACATGCCGGCCACCTGGTCCAGGCCGATGATGCGGTCCACTGTGGAGA-3'
Protein context (NP_002464.1, residues 622-642): DQVAGMSETA[Leu632Pro]PGAFKTRKGM